The following is an entry in ClinVar:

ClinVar aggregate classification (germline): Conflicting classifications of pathogenicity. Review status: criteria provided, conflicting classifications (1 of 4 stars). 21 submissions from 17 submitters: Uncertain significance (4); Benign (10); Likely benign (6). 1 of the submissions does not count toward it. Last evaluated 2026-09-01.

Conditions:
Cardiovascular phenotype. Identifiers: MedGen CN230736.
TTN-related disorder. Also called: TTN-related disorders; TTN-related condition; TTN-related disease.
Dilated cardiomyopathy 1G (CMD1G). Identifiers: Orphanet 154, MedGen C1858763, MONDO:0011400, OMIM 604145.
Autosomal recessive limb-girdle muscular dystrophy type 2J (LGMDR10). Also called: MUSCULAR DYSTROPHY, LIMB-GIRDLE, AUTOSOMAL RECESSIVE 10; Limb-girdle muscular dystrophy, type 2J. Identifiers: Orphanet 140922, MedGen C1837342, MONDO:0012127, OMIM 608807.
Cardiomyopathy (CMYO). Also called: Cardiomyopathies. Identifiers: Orphanet 167848, MedGen C0878544, MONDO:0004994, HP:0001638. Inheritance: Various modes of inheritance.
Long QT syndrome (LQTS). Identifiers: MedGen C0023976, MeSH D008133, MONDO:0002442. Disease mechanism: loss of function. Inheritance: Various modes of inheritance.
Early-onset myopathy with fatal cardiomyopathy (CMYO5). Also called: CONGENITAL MYOPATHY 5 WITH CARDIOMYOPATHY; Salih Myopathy. Identifiers: Orphanet 289377, MedGen C2673677, MONDO:0012714, OMIM 611705. Disease mechanism: loss of function.
Myopathy, myofibrillar, 9, with early respiratory failure (MFM9). Also called: Myopathy, distal, with early respiratory failure, autosomal dominant; Hereditary myopathy with early respiratory failure; MYOPATHY, PROXIMAL, WITH EARLY RESPIRATORY MUSCLE INVOLVEMENT; EDSTROM MYOPATHY. Identifiers: Orphanet 178464, Orphanet 34521, MedGen C1863599, MONDO:0011362, OMIM 603689.
Tibial muscular dystrophy (TMD). Also called: Udd Distal Myopathy – Tibial Muscular Dystrophy; Tibial muscular dystrophy, tardive; UDD MYOPATHY. Identifiers: Orphanet 609, MedGen C1838244, MONDO:0010870, OMIM 600334.
Tip-toe gait. Also called: Toe walking. Identifiers: MedGen C0427144, HP:0030051.

Allele frequency attached by ClinVar (database versions not stated): 1000 Genomes Project 30x 0.00141; ESP Exome Variant Server 0.00230; gnomAD 0.00641; 1000 Genomes Project 0.00160; TOPMed 0.00161.
gnomAD v4.1: 3,864 of 1,575,958 alleles (0.25%); highest among the groups gnomAD compares: Non-Finnish European, 0.23%; 21 homozygotes.

Submissions 1 to 13 of 21:

CeGaT Center for Human Genetics Tuebingen
Classification: Likely benign. Last evaluated: 2026-09-01. Review status: criteria provided, single submitter. Criteria: CeGaT Center For Human Genetics Tuebingen Variant Classification Criteria Version 2. Collection method: clinical testing. Allele origin: germline. Affected: yes. Observed: 66 variant alleles.
Comment: TTN: BP4, BS2

Labcorp Genetics (formerly Invitae), Labcorp
Classification: Benign for Dilated cardiomyopathy 1G; Autosomal recessive limb-girdle muscular dystrophy type 2J. Last evaluated: 2026-02-04. Review status: criteria provided, single submitter. Criteria: Invitae Variant Classification Sherloc (09022015). Collection method: clinical testing. Allele origin: germline.

Molecular Diagnostic Laboratory for Inherited Cardiovascular Disease, Montreal Heart Institute
Classification: Likely benign. Last evaluated: 2025-04-09. Review status: criteria provided, single submitter. Criteria: ACMG Guidelines, 2015. Collection method: clinical testing. Allele origin: germline. Affected: no.
Comment: BP1;BP6

Blueprint Genetics
Classification: Likely benign. Last evaluated: 2024-11-21. Review status: criteria provided, single submitter. Criteria: ACMG Guidelines, 2015. Collection method: clinical testing. Allele origin: germline.

Mayo Clinic Laboratories, Mayo Clinic
Classification: Benign. Last evaluated: 2024-09-23. Review status: criteria provided, single submitter. Criteria: ACMG Guidelines, 2015. Collection method: clinical testing. Allele origin: germline. Observed: 11 variant alleles.
Comment: BS1, BS2, BP4

Practice for Gait Abnormalities, David Pomarino, Competency Network Toe Walking C/o Practice Pomarino
Classification: Uncertain significance for Tip-toe gait. Last evaluated: 2021-02-04. Review status: criteria provided, single submitter. Criteria: ACMG Guidelines, 2015. Collection method: clinical testing. Allele origin: unknown. Affected: yes.
Comment: Myopathy refers to diseases that affect skeletal Muscles. These diseases attack muscle fibers, making muscles weak. Inherited myopathies are often caused by inheriting an abnormal gene mutation from a parent that causes the disease. Symptoms of congenital myopathies usually start at birth or in early childhood, but may not appear until the teen years or even later in adulthood. Congenital myopathies are somewhat unique compared with other inherited myopathies, as weakness typically affects all muscles and is often not progressive. Symptoms are: Muscle weakness, most commonly of upper arms and shoulders and thighs, muscle cramps, stiffness and spasms, fatigue with exertion and lack of energy. Our patients all walk on tiptoe, so they show similar symptoms. When we genetically test them with our toe walking panel, we find that around 90 per cent of them have a genetic variant that explains their toe walking. These can be assigned, for example, to the area of myopathies (such as variants of the COL6A3 gene), the area of hereditary neuropathies (such as variants of the KMT2C gene) or the area of metabolic diseases (such as variants of the PYGM gene). In a smaller group of patients with almost identical symptoms, no abnormality is found in the genes of our panel, but spastic paraplegia can be detected. In another small group of our toe walkers, no abnormalities can be detected in the genes analysed in our toe walking panel, nor do they suffer from spastic paraplegia, as is also the case with healthy children. In contrast to these, however, they show a tiptoe gait. These patients suffer from infantile cerebral palsy, in which toe walking can also be observed.

Women's Health and Genetics/Laboratory Corporation of America, LabCorp
Classification: Likely benign. Last evaluated: 2020-08-17. Review status: criteria provided, single submitter. Criteria: LabCorp Variant Classification Summary - May 2015. Collection method: clinical testing. Allele origin: germline.
Comment: Variant summary: TTN c.41023C>T (p.Pro13675Ser) results in a non-conservative amino acid change located in the A-band of the encoded protein sequence. Three of five in-silico tools predict a benign effect of the variant on protein function. The variant allele was found at a frequency of 0.0034 in 192712 control chromosomes in the gnomAD database, including 1 homozygotes. The observed variant frequency is approximately 8.62 fold of the estimated maximal expected allele frequency for a pathogenic variant in TTN causing Dilated Cardiomyopathy phenotype (0.00039), strongly suggesting that the variant is benign. To our knowledge, no occurrence of c.41023C>T in individuals affected with Dilated Cardiomyopathy and no experimental evidence demonstrating its impact on protein function have been reported. Eight clinical diagnostic laboratories have submitted clinical-significance assessments for this variant to ClinVar after 2014 without evidence for independent evaluation. (benign n=7, VUS n=1). Based on the evidence outlined above, the variant was classified as benign.

GeneDx
Classification: Benign. Last evaluated: 2020-07-15. Review status: criteria provided, single submitter. Criteria: GeneDx Variant Classification Process June 2021. Collection method: clinical testing. Allele origin: germline. Affected: yes.

ARUP Laboratories, Molecular Genetics and Genomics, ARUP Laboratories
Classification: Benign. Last evaluated: 2020-02-20. Review status: criteria provided, single submitter. Criteria: ARUP Molecular Germline Variant Investigation Process. Collection method: clinical testing. Allele origin: germline.

Illumina Laboratory Services, Illumina
Classification: Uncertain significance for Early-onset myopathy with fatal cardiomyopathy. Last evaluated: 2018-01-13. Review status: criteria provided, single submitter. Criteria: ICSL Variant Classification Criteria 13 December 2019. Collection method: clinical testing. Allele origin: germline.

Illumina Laboratory Services, Illumina
Classification: Uncertain significance for Autosomal recessive limb-girdle muscular dystrophy type 2J. Last evaluated: 2018-01-13. Review status: criteria provided, single submitter. Criteria: ICSL Variant Classification Criteria 13 December 2019. Collection method: clinical testing. Allele origin: germline.

Illumina Laboratory Services, Illumina
Classification: Benign for Tibial muscular dystrophy. Last evaluated: 2018-01-13. Review status: criteria provided, single submitter. Criteria: ICSL Variant Classification Criteria 13 December 2019. Collection method: clinical testing. Allele origin: germline.
Comment: This variant was observed in the ICSL laboratory as part of a predisposition screen in an ostensibly healthy population. It had not been previously curated by ICSL or reported in the Human Gene Mutation Database (HGMD: prior to June 1st, 2018), and was therefore a candidate for classification through an automated scoring system. Utilizing variant allele frequency, disease prevalence and penetrance estimates, and inheritance mode, an automated score was calculated to assess if this variant is too frequent to cause the disease. Based on the score and internal cut-off values, a variant classified as benign is not then subjected to further curation. The score for this variant resulted in a classification of benign for this disease.

Illumina Laboratory Services, Illumina
Classification: Benign for Myopathy, myofibrillar, 9, with early respiratory failure. Last evaluated: 2018-01-13. Review status: criteria provided, single submitter. Criteria: ICSL Variant Classification Criteria 13 December 2019. Collection method: clinical testing. Allele origin: germline.
Comment: the same text as in the submission from Illumina Laboratory Services, Illumina above.

NM_001267550.2(TTN):c.48727C>T (p.Pro16243Ser)

Genes: TTN (titin; minus strand), TTN-AS1 (TTN antisense RNA 1; plus strand), LOC126806426 (BRD4-independent group 4 enhancer GRCh37_chr2:179478848-179480047; plus strand). Cytogenetic location: 2q31.2.
Variant type: single nucleotide variant.
Coding change: c.48727C>T on transcript NM_001267550.2 (MANE Select); coding-DNA position 48727, C replaced by T.
Protein change: p.Pro16243Ser; replaces proline 16243 with serine.
Molecular consequence: missense variant.
Genome position (GRCh38, 1-based): chr2:178,614,880, G>A on the plus strand (C>T on the coding strand, the complement: TTN is on the minus strand). VCF-style: chr2-178614880-G-A. GRCh37 (hg19) VCF-style: chr2-179479607-G-A.
Other names: p.P14602S:CCC>TCC; c.43804C>T, p.Pro14602Ser (NM_001256850.1); c.21532C>T, p.Pro7178Ser (NM_003319.4); c.41023C>T, p.Pro13675Ser (NM_133378.4); c.21907C>T, p.Pro7303Ser (NM_133432.3); c.22108C>T, p.Pro7370Ser (NM_133437.4); short protein forms P16243S, P13675S, P14602S, P7303S, P7178S, P7370S.
Identifiers: ClinVar variation 47024 (VCV000047024.81), dbSNP rs72677242, ClinGen allele CA139792.
Genomic context (GRCh38, chr2:178,614,880, plus strand): 5'-GATAAGACAAAAATCAAAAATAGATACCTTGTGTGTCCACAGCCTGGATTTCCTCTGTGG[G>A]TCTGCTTGGTTTGCTAGCACCCTGCCTGTTTAAGGCCTTCACGCGGTAGGCATACCATTT-3'
Protein context (NP_001254479.2, residues 16233-16253): NRQGASKPSR[Pro16243Ser]TEEIQAVDTQ